The following is an entry in ClinVar:

ClinVar aggregate classification (germline): Pathogenic/Likely pathogenic. Review status: criteria provided, multiple submitters, no conflicts (2 of 4 stars). 3 submissions from 3 submitters: Pathogenic (2); Likely pathogenic (1). Last evaluated 2024-05-23.

Conditions:
Beta-D-mannosidosis (MANSB). Also called: MANNOSIDOSIS, BETA A, LYSOSOMAL; BETA-MANNOSIDASE DEFICIENCY; LYSOSOMAL BETA-MANNOSIDASE DEFICIENCY; Beta-Mannosidosis. Identifiers: Orphanet 118, MedGen C4048196, MONDO:0009562, OMIM 248510.

Allele frequency attached by ClinVar (database versions not stated): gnomAD exomes below 0.00001; TOPMed below 0.00001.
gnomAD v4.1: 3 of 1,531,926 alleles (0.0002%); highest among the groups gnomAD compares: Non-Finnish European, 0.00027%; no homozygotes.

Submissions (3):

Fulgent Genetics
Classification: Likely pathogenic for Beta-D-mannosidosis. Last evaluated: 2024-05-23. Review status: criteria provided, single submitter. Criteria: ACMG Guidelines, 2015. Collection method: clinical testing. Allele origin: germline.

Labcorp Genetics (formerly Invitae), Labcorp
Classification: Pathogenic for Beta-D-mannosidosis. Last evaluated: 2023-08-21. Review status: criteria provided, single submitter. Criteria: Invitae Variant Classification Sherloc (09022015). Collection method: clinical testing. Allele origin: germline.
Comment: This sequence change creates a premature translational stop signal (p.Trp231*) in the MANBA gene. It is expected to result in an absent or disrupted protein product. Loss-of-function variants in MANBA are known to be pathogenic (PMID: 9384606, 12468273). This variant is not present in population databases (gnomAD no frequency). This variant has not been reported in the literature in individuals affected with MANBA-related conditions. For these reasons, this variant has been classified as Pathogenic.

Center of Genomic medicine, Geneva, University Hospital of Geneva
Classification: Pathogenic for Beta-D-mannosidosis. Last evaluated: 2023-01-26. Review status: criteria provided, single submitter. Criteria: ACMG Guidelines, 2015. Collection method: clinical testing. Allele origin: paternal. Affected: yes. Observed: 1 variant allele.
Comment: This variant is present in compound heterozygosity with another variant in the same gene

Literature cited by the submitters: PubMed 9384606 (cited by Labcorp Genetics (formerly Invitae), Labcorp); PubMed 12468273 (cited by Labcorp Genetics (formerly Invitae), Labcorp).

NM_005908.4(MANBA):c.692G>A (p.Trp231Ter)

Gene: MANBA (mannosidase beta; minus strand). Cytogenetic location: 4q24.
Variant type: single nucleotide variant.
Coding change: c.692G>A on transcript NM_005908.4 (MANE Select); coding-DNA position 692, G replaced by A.
Protein change: p.Trp231Ter; replaces tryptophan 231 with a stop codon.
Molecular consequence: nonsense.
Genome position (GRCh38, 1-based): chr4:102,690,753, C>T on the plus strand (G>A on the coding strand, the complement: MANBA is on the minus strand). VCF-style: chr4-102690753-C-T. GRCh37 (hg19) VCF-style: chr4-103611910-C-T.
Other names: p.(Trp231*); short protein forms W231*.
Identifiers: ClinVar variation 2626857 (VCV002626857.6), dbSNP rs1732439983, ClinGen allele CA357770125.